The following is an entry in ClinVar:

NM_000492.4(CFTR):c.680T>G (p.Leu227Arg)

Gene: CFTR (CF transmembrane conductance regulator; plus strand). Cytogenetic location: 7q31.2.
Variant type: single nucleotide variant.
Coding change: c.680T>G on transcript NM_000492.4 (MANE Select); coding-DNA position 680, T replaced by G.
Protein change: p.Leu227Arg; replaces leucine 227 with arginine.
Molecular consequence: missense variant.
Genome position (GRCh38, 1-based): chr7:117,535,348, T>G. VCF-style: chr7-117535348-T-G. GRCh37 (hg19) VCF-style: chr7-117175402-T-G.
Other names: short protein forms L227R.
Identifiers: ClinVar variation 54040 (VCV000054040.4), dbSNP rs397508782, ClinGen allele CA327623.
Genomic context (GRCh38, chr7:117,535,348, plus strand): 5'-AAGTGGCACTCCTCATGGGGCTAATCTGGGAGTTGTTACAGGCGTCTGCCTTCTGTGGAC[T>G]TGGTTTCCTGATAGTCCTTGCCCTTTTTCAGGCTGGGCTAGGGAGAATGATGATGAAGTA-3'
Protein context (NP_000483.3, residues 217-237): ELLQASAFCG[Leu227Arg]GFLIVLALFQ

ClinVar aggregate classification (germline): Pathogenic. Review status: reviewed by expert panel (3 of 4 stars). 4 submissions from 4 submitters: Pathogenic (1). 3 of the submissions do not count toward it. Last evaluated 2017-03-17.

Conditions:
CFTR-related disorder (CFTR-RD). Also called: CFTR-related condition; CFTR-related disorders. Identifiers: MedGen C5924204, MONDO:7770004.
Congenital bilateral aplasia of vas deferens from CFTR mutation (CBAVD). Identifiers: Orphanet 48, MedGen C0403814, MONDO:0010178, OMIM 277180. Disease mechanism: loss of function.
Cystic fibrosis (CF). Also called: MUCOVISCIDOSIS. Identifiers: Orphanet 586, MedGen C0010674, MONDO:0009061, OMIM 219700. Disease mechanism: loss of function.

Allele frequency attached by ClinVar (database versions not stated): ExAC 0.00001.

Submissions (4):

CFTR2
Classification: Pathogenic for Cystic fibrosis. Last evaluated: 2017-03-17. Review status: reviewed by expert panel. Criteria: Sosnay PR et al. (Nat Genet 2013). Collection method: research. Allele origin: germline. Affected: yes. Study: CFTR2.

First Genomix Gene Laboratory, Genetic Diagnostics Department
Classification: Pathogenic for Congenital bilateral aplasia of vas deferens from CFTR mutation; Cystic fibrosis. Last evaluated: 2025-03-18. Review status: criteria provided, single submitter. Criteria: ACMG Guidelines, 2015. Collection method: clinical testing. Allele origin: germline. Inheritance: Autosomal recessive inheritance. Affected: no. Observed: 1 variant allele. Not counted in ClinVar's aggregate classification.

CFTR-France
Classification: Pathogenic for cystic fibrosis. Last evaluated: 2018-01-29. Review status: criteria provided, single submitter. Criteria: Claustres M et al. (Hum Mutat 2017). Collection method: curation. Allele origin: germline. Affected: yes. Not counted in ClinVar's aggregate classification.

Natera, Inc.
Classification: Pathogenic for CFTR-related disorders. Last evaluated: 2017-03-17. Review status: no assertion criteria provided. Collection method: clinical testing. Allele origin: germline. Not counted in ClinVar's aggregate classification.